The following is an entry in ClinVar:

ClinVar aggregate classification (germline): Uncertain significance. Review status: criteria provided, multiple submitters, no conflicts (2 of 4 stars). 2 submissions from 2 submitters: Uncertain significance (2). Last evaluated 2024-06-21.

Conditions:
Cardiovascular phenotype. Identifiers: MedGen CN230736.
Hypertrophic cardiomyopathy. Also called: HYPERTROPHIC MYOCARDIOPATHY. Identifiers: Orphanet 217569, MedGen C0007194, MeSH D002312, MONDO:0005045, HP:0001639.

Submissions (2):

Ambry Genetics
Classification: Uncertain significance for Cardiovascular phenotype. Last evaluated: 2024-06-21. Review status: criteria provided, single submitter. Criteria: Ambry Variant Classification Scheme 2023. Collection method: clinical testing. Allele origin: germline.
Comment: The p.D325G variant (also known as c.974A>G), located in coding exon 9 of the MYH7 gene, results from an A to G substitution at nucleotide position 974. The aspartic acid at codon 325 is replaced by glycine, an amino acid with similar properties. This amino acid position is highly conserved in available vertebrate species. In addition, this alteration is predicted to be deleterious by in silico analysis. Based on the available evidence, the clinical significance of this variant remains unclear.

Labcorp Genetics (formerly Invitae), Labcorp
Classification: Uncertain significance for Hypertrophic cardiomyopathy. Last evaluated: 2018-05-20. Review status: criteria provided, single submitter. Criteria: Invitae Variant Classification Sherloc (09022015). Collection method: clinical testing. Allele origin: germline.
Comment: This variant is found within a region of MYH7 between codons 181 and 937 that contains the majority of the myosin head domain. Missense variants in this region have been shown to be significantly overrepresented in individuals with hypertrophic cardiomyopathy (PMID: 27532257). In summary, the available evidence is currently insufficient to determine the role of this variant in disease. Therefore, it has been classified as a Variant of Uncertain Significance. A computational algorithm designed to assess the pathogenicity of variants in MYH7 with regard to hypertrophic cardiomyopathy predicted this sequence change to be deleterious. The algorithm has a sensitivity of 94% and a specificity of 89% (PMID: 21310275). This variant has not been reported in the literature in individuals with MYH7-related disease. This variant is not present in population databases (ExAC no frequency). This sequence change replaces aspartic acid with glycine at codon 325 of the MYH7 protein (p.Asp325Gly). The aspartic acid residue is highly conserved and there is a moderate physicochemical difference between aspartic acid and glycine.

Literature cited by the submitters: PubMed 27532257 (cited by Labcorp Genetics (formerly Invitae), Labcorp); PubMed 21310275 (cited by Labcorp Genetics (formerly Invitae), Labcorp).

NM_000257.4(MYH7):c.974A>G (p.Asp325Gly)

Gene: MYH7 (myosin heavy chain 7; minus strand). Cytogenetic location: 14q11.2.
Variant type: single nucleotide variant.
Coding change: c.974A>G on transcript NM_000257.4 (MANE Select); coding-DNA position 974, A replaced by G.
Protein change: p.Asp325Gly; replaces aspartic acid 325 with glycine.
Molecular consequence: missense variant.
Genome position (GRCh38, 1-based): chr14:23,430,585, T>C on the plus strand (A>G on the coding strand, the complement: MYH7 is on the minus strand). VCF-style: chr14-23430585-T-C. GRCh37 (hg19) VCF-style: chr14-23899794-T-C.
Other names: short protein forms D325G.
Identifiers: ClinVar variation 577042 (VCV000577042.9), dbSNP rs1566536390, ClinGen allele CA389051640.